The following is an entry in ClinVar:

ClinVar aggregate classification (germline): Conflicting classifications of pathogenicity. Review status: criteria provided, conflicting classifications (1 of 4 stars). 4 submissions from 4 submitters: Uncertain significance (2); Benign (1); Likely benign (1). Last evaluated 2025-12-20.

Conditions:
Basal cell carcinoma, susceptibility to, 1. Also called: BCC1. Identifiers: MedGen C2751544, MONDO:0011556, OMIM 605462.
Gorlin syndrome. Also called: Nevoid Basal Cell Carcinoma Syndrome; Basal cell nevus syndrome. Identifiers: Orphanet 377, MedGen C0004779, MONDO:0007187.
Holoprosencephaly 7 (HPE7). Identifiers: Orphanet 2162, MedGen C1835820, MONDO:0012562, OMIM 610828.
Hereditary cancer-predisposing syndrome. Also called: Hereditary neoplastic syndrome; Neoplastic Syndromes, Hereditary; Tumor predisposition; Hereditary Cancer Syndrome. Identifiers: Orphanet 140162, MedGen C0027672, MeSH D009386, MONDO:0015356.

Allele frequency attached by ClinVar (database versions not stated): gnomAD exomes below 0.00001 and 0.00002; TOPMed 0.00001; ExAC 0.00002; gnomAD 0.00002 and 0.00003; ESP Exome Variant Server 0.00008.
gnomAD v4.1: 33 of 1,613,932 alleles (0.002%); highest among the groups gnomAD compares: Non-Finnish European, 0.0025%; no homozygotes.

Submissions (4):

Labcorp Genetics (formerly Invitae), Labcorp
Classification: Benign for Gorlin syndrome. Last evaluated: 2025-12-20. Review status: criteria provided, single submitter. Criteria: Invitae Variant Classification Sherloc (09022015). Collection method: clinical testing. Allele origin: germline.

Ambry Genetics
Classification: Likely benign for Hereditary cancer-predisposing syndrome. Last evaluated: 2025-09-15. Review status: criteria provided, single submitter. Criteria: Ambry Variant Classification Scheme 2023. Collection method: clinical testing. Allele origin: germline.

Quest Diagnostics Nichols Institute San Juan Capistrano
Classification: Uncertain significance. Last evaluated: 2025-05-27. Review status: criteria provided, single submitter. Criteria: Quest Diagnostics criteria. Collection method: clinical testing. Allele origin: unknown.
Comment: The PTCH1 c.1351G>A (p.Ala451Thr) variant has not been reported in individuals with PTCH1-related conditions in the published literature. The frequency of this variant in the general population (Genome Aggregation Database) is uninformative in the assessment of its pathogenicity. Analysis of this variant using bioinformatics tools for the prediction of the effect of amino acid changes on protein structure and function yielded predictions that this variant is damaging. Based on the available information, we are unable to determine the clinical significance of this variant.

Fulgent Genetics
Classification: Uncertain significance for Basal cell nevus syndrome 1; Basal cell carcinoma, susceptibility to, 1; Holoprosencephaly 7. Last evaluated: 2022-02-24. Review status: criteria provided, single submitter. Criteria: ACMG Guidelines, 2015. Collection method: clinical testing. Allele origin: unknown.

NM_000264.5(PTCH1):c.1351G>A (p.Ala451Thr)

Gene: PTCH1 (patched 1; minus strand). Cytogenetic location: 9q22.32.
Variant type: single nucleotide variant.
Coding change: c.1351G>A on transcript NM_000264.5 (MANE Select); coding-DNA position 1351, G replaced by A.
Protein change: p.Ala451Thr; replaces alanine 451 with threonine.
Molecular consequence: missense variant. On other transcripts: non-coding transcript variant (1), intron variant (1).
Genome position (GRCh38, 1-based): chr9:95,477,699, C>T on the plus strand (G>A on the coding strand, the complement: PTCH1 is on the minus strand). VCF-style: chr9-95477699-C-T. GRCh37 (hg19) VCF-style: chr9-98239981-C-T.
Other names: c.1153G>A, p.Ala385Thr (NM_001083602.3); c.1348G>A, p.Ala450Thr (NM_001083603.3); c.898G>A, p.Ala300Thr (NM_001083604.3, NM_001083605.3, NM_001083606.3 and 1 more transcripts); c.1347+356G>A (NM_001354918.2); c.1351G>A (NM_000264.4); short protein forms A385T, A451T, A450T, A300T.
Identifiers: ClinVar variation 409142 (VCV000409142.23), dbSNP rs142791675, ClinGen allele CA5138668.